The following is an entry in ClinVar:

NM_000193.4(SHH):c.1340T>C (p.Leu447Pro)

Gene: SHH (sonic hedgehog signaling molecule; minus strand). Cytogenetic location: 7q36.3.
Variant type: single nucleotide variant.
Coding change: c.1340T>C on transcript NM_000193.4 (MANE Select); coding-DNA position 1340, T replaced by C.
Protein change: p.Leu447Pro; replaces leucine 447 with proline.
Molecular consequence: missense variant. On other transcripts: intron variant (1).
Genome position (GRCh38, 1-based): chr7:155,802,949, A>G on the plus strand (T>C on the coding strand, the complement: SHH is on the minus strand). VCF-style: chr7-155802949-A-G. GRCh37 (hg19) VCF-style: chr7-155595643-A-G.
Other names: c.302-2704T>C (NM_001310462.2); short protein forms L447P.
Identifiers: ClinVar variation 2504247 (VCV002504247.1), dbSNP rs969802078, ClinGen allele CA370143896.

ClinVar aggregate classification (germline): Uncertain significance (1 of 4 stars; one submission).

Allele frequency attached by ClinVar (database versions not stated): gnomAD exomes below 0.00001.
gnomAD v4.1: 2 of 1,509,530 alleles (0.00013%); highest among the groups gnomAD compares: Non-Finnish European, 0.00018%; no homozygotes.

Submission:

GeneDx
Classification: Uncertain significance. Last evaluated: 2022-12-05. Review status: criteria provided, single submitter. Criteria: GeneDx Variant Classification Process June 2021. Collection method: clinical testing. Allele origin: germline. Affected: yes.
Comment: Not observed at significant frequency in large population cohorts (gnomAD); In silico analysis supports that this missense variant has a deleterious effect on protein structure/function; Has not been previously published as pathogenic or benign to our knowledge